The following is an entry in ClinVar:

ClinVar aggregate classification (germline): Conflicting classifications of pathogenicity. Review status: criteria provided, conflicting classifications (1 of 4 stars). 4 submissions from 4 submitters: Uncertain significance (1); Likely benign (3). Last evaluated 2026-01-27.

Conditions:
Atransferrinemia. Also called: Familial hypotransferrinemia. Identifiers: Orphanet 1195, MedGen C0521802, MONDO:0008846, OMIM 209300, HP:0012239.

Allele frequency attached by ClinVar (database versions not stated): gnomAD exomes 0.00035 and 0.00070; gnomAD 0.00072 and 0.00079; ExAC 0.00073; TOPMed 0.00076; ESP Exome Variant Server 0.00115; 1000 Genomes Project 0.00120; 1000 Genomes Project 30x 0.00141.
gnomAD v4.1: 645 of 1,614,132 alleles (0.04%); highest among the groups gnomAD compares: Middle Eastern, 0.31%; 5 homozygotes.

Submissions (4):

Labcorp Genetics (formerly Invitae), Labcorp
Classification: Likely benign. Last evaluated: 2026-01-27. Review status: criteria provided, single submitter. Criteria: Invitae Variant Classification Sherloc (09022015). Collection method: clinical testing. Allele origin: germline.

Blueprint Genetics
Classification: Likely benign. Last evaluated: 2024-11-20. Review status: criteria provided, single submitter. Criteria: ACMG Guidelines, 2015. Collection method: clinical testing. Allele origin: germline.

CeGaT Center for Human Genetics Tuebingen
Classification: Likely benign. Last evaluated: 2023-10-01. Review status: criteria provided, single submitter. Criteria: CeGaT Center For Human Genetics Tuebingen Variant Classification Criteria Version 2. Collection method: clinical testing. Allele origin: germline. Affected: yes. Observed: 1 variant allele.
Comment: TF: BP4, BP7

Illumina Laboratory Services, Illumina
Classification: Uncertain significance for Atransferrinemia. Last evaluated: 2018-01-12. Review status: criteria provided, single submitter. Criteria: ICSL Variant Classification Criteria 13 December 2019. Collection method: clinical testing. Allele origin: germline.

NM_001063.4(TF):c.228G>A (p.Ala76=)

Gene: TF (transferrin; plus strand). Cytogenetic location: 3q22.1.
Variant type: single nucleotide variant.
Coding change: c.228G>A on transcript NM_001063.4 (MANE Select); coding-DNA position 228, G replaced by A.
Protein change: p.Ala76=; no amino-acid change (alanine 76 retained).
Molecular consequence: synonymous variant. On other transcripts: 5 prime UTR variant (1).
Genome position (GRCh38, 1-based): chr3:133,753,606, G>A. VCF-style: chr3-133753606-G-A. GRCh37 (hg19) VCF-style: chr3-133472450-G-A.
Other names: c.96G>A, p.Ala32= (NM_001354703.2); c.-154G>A (NM_001354704.2).
Identifiers: ClinVar variation 343428 (VCV000343428.36), dbSNP rs140381335, ClinGen allele CA2624919.